The following is an entry in ClinVar:

ClinVar aggregate classification (germline): Uncertain significance. Review status: criteria provided, multiple submitters, no conflicts (2 of 4 stars). 3 submissions from 3 submitters: Uncertain significance (3). Last evaluated 2025-05-12.

Conditions:
Hereditary cancer-predisposing syndrome. Also called: Hereditary neoplastic syndrome; Neoplastic Syndromes, Hereditary; Tumor predisposition; Hereditary Cancer Syndrome. Identifiers: Orphanet 140162, MedGen C0027672, MeSH D009386, MONDO:0015356.
Oligodontia-cancer predisposition syndrome. Also called: TOOTH AGENESIS-COLORECTAL CANCER SYNDROME. Identifiers: Orphanet 300576, MedGen C1837750, MONDO:0012075, OMIM 608615. Disease mechanism: loss of function.

Submissions (3):

Labcorp Genetics (formerly Invitae), Labcorp
Classification: Uncertain significance for Oligodontia-cancer predisposition syndrome. Last evaluated: 2025-05-12. Review status: criteria provided, single submitter. Criteria: Invitae Variant Classification Sherloc (09022015). Collection method: clinical testing. Allele origin: germline.
Comment: This sequence change replaces threonine, which is neutral and polar, with proline, which is neutral and non-polar, at codon 227 of the AXIN2 protein (p.Thr227Pro). This variant is not present in population databases (gnomAD no frequency). This variant has not been reported in the literature in individuals affected with AXIN2-related conditions. ClinVar contains an entry for this variant (Variation ID: 1315011). Invitae Evidence Modeling of protein sequence and biophysical properties (such as structural, functional, and spatial information, amino acid conservation, physicochemical variation, residue mobility, and thermodynamic stability) indicates that this missense variant is not expected to disrupt AXIN2 protein function with a negative predictive value of 80%. In summary, the available evidence is currently insufficient to determine the role of this variant in disease. Therefore, it has been classified as a Variant of Uncertain Significance.

Ambry Genetics
Classification: Uncertain significance for Hereditary cancer-predisposing syndrome. Last evaluated: 2024-11-21. Review status: criteria provided, single submitter. Criteria: Ambry Variant Classification Scheme 2023. Collection method: clinical testing. Allele origin: germline.
Comment: The p.T227P variant (also known as c.679A>C), located in coding exon 1 of the AXIN2 gene, results from an A to C substitution at nucleotide position 679. The threonine at codon 227 is replaced by proline, an amino acid with highly similar properties. This amino acid position is conserved. In addition, the in silico prediction for this alteration is inconclusive. Based on the available evidence, the clinical significance of this variant remains unclear.

GeneDx
Classification: Uncertain significance. Last evaluated: 2020-01-21. Review status: criteria provided, single submitter. Criteria: GeneDx Variant Classification Process June 2021. Collection method: clinical testing. Allele origin: germline. Affected: yes.
Comment: Not observed in large population cohorts (Lek 2016); In silico analysis, which includes protein predictors and evolutionary conservation, supports a deleterious effect; Has not been previously published as pathogenic or benign to our knowledge

NM_004655.4(AXIN2):c.679A>C (p.Thr227Pro)

Gene: AXIN2 (axin 2; minus strand). Cytogenetic location: 17q24.1.
Variant type: single nucleotide variant.
Coding change: c.679A>C on transcript NM_004655.4 (MANE Select); coding-DNA position 679, A replaced by C.
Protein change: p.Thr227Pro; replaces threonine 227 with proline.
Molecular consequence: missense variant.
Genome position (GRCh38, 1-based): chr17:65,557,942, T>G on the plus strand (A>C on the coding strand, the complement: AXIN2 is on the minus strand). VCF-style: chr17-65557942-T-G. GRCh37 (hg19) VCF-style: chr17-63554060-T-G.
Other names: c.679A>C, p.Thr227Pro (NM_001363813.1); short protein forms T227P.
Identifiers: ClinVar variation 1315011 (VCV001315011.8), dbSNP rs1483174622, ClinGen allele CA400680509.